The following is an entry in ClinVar:

NM_032495.6(HOPX):c.264C>T (p.Ser88=)

Gene: HOPX (HOP homeobox; minus strand). Cytogenetic location: 4q12.
Variant type: single nucleotide variant.
Coding change: c.264C>T on transcript NM_032495.6 (MANE Select); coding-DNA position 264, C replaced by T.
Protein change: p.Ser88=; no amino-acid change (serine 88 retained).
Molecular consequence: synonymous variant. On other transcripts: 3 prime UTR variant (1).
Genome position (GRCh38, 1-based): chr4:56,648,732, G>A on the plus strand (C>T on the coding strand, the complement: HOPX is on the minus strand). VCF-style: chr4-56648732-G-A. GRCh37 (hg19) VCF-style: chr4-57514898-G-A.
Other names: c.210C>T, p.Ser70= (NM_001145459.2, NM_139211.5, NM_139212.4); c.*55C>T (NM_001145460.2).
Identifiers: ClinVar variation 928693 (VCV000928693.1), dbSNP rs76751592, ClinGen allele CA2931803.
Genomic context (GRCh38, chr4:56,648,732, plus strand): 5'-AACAGAGATGGCCTTCATGGAGTGAAGCTGTCAATGCCTGCCATCTCCTTAGTCTGTGAC[G>A]GATCTGCACTCTGAGGGCAGGCCTTCTGAGCGCCGCCACTTTGCCAGGCGCTGCTTAAAC-3'
Protein context (NP_115884.4, residues 78-91): RSEGLPSECR[Ser88=]VTD

ClinVar aggregate classification (germline): Benign (1 of 4 stars; one submission).

Allele frequency attached by ClinVar (database versions not stated): gnomAD exomes 0.00011 and 0.00025; ExAC 0.00029; gnomAD 0.00076 and 0.00079; TOPMed 0.00093; 1000 Genomes Project 0.00100; ESP Exome Variant Server 0.00100; 1000 Genomes Project 30x 0.00156.
gnomAD v4.1: 281 of 1,607,350 alleles (0.017%); highest among the groups gnomAD compares: African/African-American, 0.26%; no homozygotes.

Submission:

Women's Health and Genetics/Laboratory Corporation of America, LabCorp
Classification: Benign. Last evaluated: 2019-01-21. Review status: criteria provided, single submitter. Criteria: LabCorp Variant Classification Summary - May 2015. Collection method: clinical testing. Allele origin: germline.
Comment: Variant summary: HOPX c.264C>T alters a non-conserved nucleotide resulting in a synonymous change. 5/5 computational tools predict no significant impact on normal splicing. However, these predictions have yet to be confirmed by functional studies. The variant allele was found at a frequency of 0.00028 in 276818 control chromosomes, predominantly at a frequency of 0.0027 within the African subpopulation in the gnomAD database. The observed variant frequency within African control individuals in the gnomAD database is approximately 108 fold of the estimated maximal expected allele frequency for a pathogenic variant in HOPX causing Cardiomyopathy phenotype (2.5e-05), strongly suggesting that the variant is a benign polymorphism found primarily in populations of African origin. To our knowledge, no occurrence of c.264C>T in individuals affected with Cardiomyopathy and no experimental evidence demonstrating its impact on protein function have been reported. No clinical diagnostic laboratories have submitted clinical-significance assessments for this variant to ClinVar after 2014. Based on the evidence outlined above, the variant was classified as benign.